The following is an entry in ClinVar:

NM_000416.3(IFNGR1):c.1042G>A (p.Glu348Lys)

Gene: IFNGR1 (interferon gamma receptor 1; minus strand). Cytogenetic location: 6q23.3.
Variant type: single nucleotide variant.
Coding change: c.1042G>A on transcript NM_000416.3 (MANE Select); coding-DNA position 1042, G replaced by A.
Protein change: p.Glu348Lys; replaces glutamic acid 348 with lysine.
Molecular consequence: missense variant.
Genome position (GRCh38, 1-based): chr6:137,198,459, C>T on the plus strand (G>A on the coding strand, the complement: IFNGR1 is on the minus strand). VCF-style: chr6-137198459-C-T. GRCh37 (hg19) VCF-style: chr6-137519596-C-T.
Other names: c.1012G>A, p.Glu338Lys (NM_001363526.1); c.919G>A, p.Glu307Lys (NM_001363527.1); short protein forms E348K, E338K, E307K.
Identifiers: ClinVar variation 2753601 (VCV002753601.3), dbSNP rs1422804324, ClinGen allele CA365772937.

ClinVar aggregate classification (germline): Uncertain significance (1 of 4 stars; one submission).

Conditions:
Disseminated atypical mycobacterial infection. Identifiers: MedGen C0694566.

Allele frequency attached by ClinVar (database versions not stated): TOPMed below 0.00001; gnomAD 0.00001; gnomAD exomes 0.00001.
gnomAD v4.1: 4 of 1,613,990 alleles (0.00025%); highest among the groups gnomAD compares: Admixed American, 0.0033%; no homozygotes.

Submission:

Labcorp Genetics (formerly Invitae), Labcorp
Classification: Uncertain significance for Disseminated atypical mycobacterial infection. Last evaluated: 2022-11-16. Review status: criteria provided, single submitter. Criteria: Invitae Variant Classification Sherloc (09022015). Collection method: clinical testing. Allele origin: germline.
Comment: In summary, the available evidence is currently insufficient to determine the role of this variant in disease. Therefore, it has been classified as a Variant of Uncertain Significance. Advanced modeling of protein sequence and biophysical properties (such as structural, functional, and spatial information, amino acid conservation, physicochemical variation, residue mobility, and thermodynamic stability) performed at Invitae indicates that this missense variant is not expected to disrupt IFNGR1 protein function. This variant has not been reported in the literature in individuals affected with IFNGR1-related conditions. This variant is present in population databases (no rsID available, gnomAD 0.006%). This sequence change replaces glutamic acid, which is acidic and polar, with lysine, which is basic and polar, at codon 348 of the IFNGR1 protein (p.Glu348Lys).